The following is an entry in ClinVar:

NM_000975.5(RPL11):c.136C>T (p.Gln46Ter)

Gene: RPL11 (ribosomal protein L11; plus strand). Cytogenetic location: 1p36.11.
Variant type: single nucleotide variant.
Coding change: c.136C>T on transcript NM_000975.5 (MANE Select); coding-DNA position 136, C replaced by T.
Protein change: p.Gln46Ter; replaces glutamine 46 with a stop codon.
Molecular consequence: nonsense.
Genome position (GRCh38, 1-based): chr1:23,692,738, C>T. VCF-style: chr1-23692738-C-T. GRCh37 (hg19) VCF-style: chr1-24019228-C-T.
Other names: c.133C>T, p.Gln45Ter (NM_001199802.1); short protein forms Q46*, Q45*.
Identifiers: ClinVar variation 4723240 (VCV004723240.1).
Genomic context (GRCh38, chr1:23,692,738, plus strand): 5'-GTTGGGGAGAGTGGAGACAGACTGACGCGAGCAGCCAAGGTGTTGGAGCAGCTCACAGGG[C>T]AGACCCCTGTGTTTTCCAAAGGTGAGTAGTCACAAGGACATACAGGGTTTGCCTGCTTGG-3'

ClinVar aggregate classification (germline): Pathogenic (1 of 4 stars; one submission).

Conditions:
Diamond-Blackfan anemia. Also called: Blackfan Diamond syndrome; Aregenerative anemia chronic congenital; Red cell aplasia, pure hereditary; Congenital hypoplastic anemia; Aase syndrome. Identifiers: Orphanet 124, MedGen C1260899, MeSH D029503, MONDO:0015253, HP:0004810.

gnomAD v4.1: 1 of 1,613,862 alleles (0.000062%); highest among the groups gnomAD compares: Non-Finnish European, 0.000085%; no homozygotes.

Submission:

Labcorp Genetics (formerly Invitae), Labcorp
Classification: Pathogenic for Diamond-Blackfan anemia. Last evaluated: 2025-07-14. Review status: criteria provided, single submitter. Criteria: Invitae Variant Classification Sherloc (09022015). Collection method: clinical testing. Allele origin: germline.
Comment: This sequence change creates a premature translational stop signal (p.Gln46*) in the RPL11 gene. It is expected to result in an absent or disrupted protein product. Loss-of-function variants in RPL11 are known to be pathogenic (PMID: 19061985, 19773262). This variant is not present in population databases (gnomAD no frequency). This variant has not been reported in the literature in individuals affected with RPL11-related conditions. For these reasons, this variant has been classified as Pathogenic.

Literature cited by the submitters: PubMed 19061985; PubMed 19773262.